The following is an entry in ClinVar:

NM_004082.5(DCTN1):c.3353A>T (p.Gln1118Leu)

Gene: DCTN1 (dynactin subunit 1; minus strand). Cytogenetic location: 2p13.1.
Variant type: single nucleotide variant.
Coding change: c.3353A>T on transcript NM_004082.5 (MANE Select); coding-DNA position 3353, A replaced by T.
Protein change: p.Gln1118Leu; replaces glutamine 1118 with leucine.
Molecular consequence: missense variant. On other transcripts: non-coding transcript variant (1).
Genome position (GRCh38, 1-based): chr2:74,363,170, T>A on the plus strand (A>T on the coding strand, the complement: DCTN1 is on the minus strand). VCF-style: chr2-74363170-T-A. GRCh37 (hg19) VCF-style: chr2-74590297-T-A.
Other names: c.3278A>T, p.Gln1093Leu (NM_001135040.3); c.2936A>T, p.Gln979Leu (NM_001135041.3); c.3227A>T, p.Gln1076Leu (NM_001190836.2); c.3332A>T, p.Gln1111Leu (NM_001190837.2); c.3302A>T, p.Gln1101Leu (NM_001378991.1); c.3284A>T, p.Gln1095Leu (NM_001378992.1); c.2951A>T, p.Gln984Leu (NM_023019.4); short protein forms Q1076L, Q1093L, Q1095L, Q1101L, Q1111L, Q1118L, Q979L, Q984L.
Identifiers: ClinVar variation 1021847 (VCV001021847.9), dbSNP rs1357089479, ClinGen allele CA347337412.

ClinVar aggregate classification (germline): Uncertain significance (1 of 4 stars; one submission).

Conditions:
Amyotrophic lateral sclerosis type 1 (ALS1). Also called: AMYOTROPHIC LATERAL SCLEROSIS 1, FAMILIAL. Identifiers: Orphanet 803, MedGen C1862939, MONDO:0007103, OMIM 105400.
Perry syndrome. Also called: PARKINSONISM WITH ALVEOLAR HYPOVENTILATION AND MENTAL DEPRESSION. Identifiers: Orphanet 178509, MedGen C1868594, MONDO:0008201, OMIM 168605.
Neuronopathy, distal hereditary motor, type 7B. Also called: Distal Hereditary Motor Neuronopathy Type 7B (dHMN7B); NEURONOPATHY, DISTAL HEREDITARY MOTOR, AUTOSOMAL DOMINANT 14; NEURONOPATHY, DISTAL HEREDITARY MOTOR, HARDING TYPE VIIB; NEUROPATHY, DISTAL HEREDITARY MOTOR, HARDING TYPE VIIB; NEUROPATHY, DISTAL HEREDITARY MOTOR, WITH VOCAL CORD PARALYSIS, HARDING TYPE VIIB; HMN VIIB. Identifiers: Orphanet 139589, MedGen C1843315, MONDO:0011879, OMIM 607641.

Allele frequency attached by ClinVar (database versions not stated): TOPMed 0.00002; gnomAD 0.00003 and 0.00004.
gnomAD v4.1: 28 of 1,614,020 alleles (0.0017%); highest among the groups gnomAD compares: Non-Finnish European, 0.0022%; no homozygotes.

Submission:

Labcorp Genetics (formerly Invitae), Labcorp
Classification: Uncertain significance for Amyotrophic lateral sclerosis type 1; Neuronopathy, distal hereditary motor, type 7B; Perry syndrome. Last evaluated: 2025-05-04. Review status: criteria provided, single submitter. Criteria: Invitae Variant Classification Sherloc (09022015). Collection method: clinical testing. Allele origin: germline.
Comment: This sequence change replaces glutamine, which is neutral and polar, with leucine, which is neutral and non-polar, at codon 1118 of the DCTN1 protein (p.Gln1118Leu). This variant is present in population databases (no rsID available, gnomAD 0.003%). This variant has not been reported in the literature in individuals affected with DCTN1-related conditions. ClinVar contains an entry for this variant (Variation ID: 1021847). Invitae Evidence Modeling of protein sequence and biophysical properties (such as structural, functional, and spatial information, amino acid conservation, physicochemical variation, residue mobility, and thermodynamic stability) indicates that this missense variant is not expected to disrupt DCTN1 protein function with a negative predictive value of 95%. In summary, the available evidence is currently insufficient to determine the role of this variant in disease. Therefore, it has been classified as a Variant of Uncertain Significance.